The following is an entry in ClinVar:

ClinVar aggregate classification (germline): Likely pathogenic (1 of 4 stars; one submission).

Conditions:
Hereditary breast ovarian cancer syndrome. Also called: Hereditary breast and ovarian cancer syndrome; Hereditary breast and ovarian cancer; Hereditary breast and ovarian cancer syndrome (HBOC); Hereditary breast and/or ovarian cancer syndrome; Breast and ovarian cancer; BRCA1- and BRCA2-Associated Hereditary Breast and Ovarian Cancer. Identifiers: Orphanet 145, MedGen C0677776, MeSH D061325, MONDO:0003582. Disease mechanism: loss of function.

Submission:

Women's Health and Genetics/Laboratory Corporation of America, LabCorp
Classification: Likely pathogenic for Hereditary breast ovarian cancer syndrome. Last evaluated: 2021-12-16. Review status: criteria provided, single submitter. Criteria: LabCorp Variant Classification Summary - May 2015. Collection method: clinical testing. Allele origin: germline.
Comment: Variant summary: The variant identified by MLPA or other technology involves the deletion of exon 19 in the BRCA2 gene. A presumed nomenclature of c.(8331+1_8332-1)_(8487+1_8488-1)del has been designated for the purposes of this classification. Although exact breakpoints of this deletion are not known, it is expected to result in a large in-frame deletion in the BRCA2 gene, removing 52 amino acids (residues 2778-2829), which would affect the first oligonucleotide binding fold (OB1) domain (amino acids 2670-2795; IPR015187) of the BRCA2 protein. The variant was absent in 21692 control chromosomes (gnomAD structural variants dataset). The variant, c.(8331+1_8332-1)_(8487+1_8488-1)del, has been reported in the literature in at least one individual affected with breast cancer (Jimenez_2013). To our knowledge, no experimental evidence demonstrating an impact on protein function has been reported. However, a different variant, c.8487+1G>A, which results in skipping of exon 19 of the BRCA2 protein has been classified as pathogenic by our laboratory. One clinical diagnostic laboratory has submitted clinical-significance assessments for this variant to ClinVar after 2014, and classified the variant as likely pathogenic. Based on the evidence outlined above, the variant was classified as likely pathogenic.

Literature cited by the submitters: PubMed 23479189.

NC_000013.10:g.(32937671_32944538)_(32944695_32945092)del

Gene: BRCA2 (BRCA2 DNA repair associated; plus strand). Cytogenetic location: 13q13.1.
Variant type: Deletion.
Identifiers: ClinVar variation 1331419 (VCV001331419.1).